The following is an entry in ClinVar:

ClinVar aggregate classification (germline): Uncertain significance (1 of 4 stars; one submission).

Conditions:
Hypertrophic cardiomyopathy 14. Identifiers: MedGen C2750467, MONDO:0013197, OMIM 613251.

Submission:

Labcorp Genetics (formerly Invitae), Labcorp
Classification: Uncertain significance for Hypertrophic cardiomyopathy 14. Last evaluated: 2021-08-13. Review status: criteria provided, single submitter. Criteria: Invitae Variant Classification Sherloc (09022015). Collection method: clinical testing. Allele origin: germline.
Comment: This sequence change replaces glutamine with histidine at codon 1748 of the MYH6 protein (p.Gln1748His). The glutamine residue is weakly conserved and there is a small physicochemical difference between glutamine and histidine. This variant is not present in population databases (ExAC no frequency). This variant has not been reported in the literature in individuals affected with MYH6-related conditions. Algorithms developed to predict the effect of missense changes on protein structure and function are either unavailable or do not agree on the potential impact of this missense change (SIFT: "Tolerated"; PolyPhen-2: "Probably Damaging"; Align-GVGD: "Class C0"). In summary, the available evidence is currently insufficient to determine the role of this variant in disease. Therefore, it has been classified as a Variant of Uncertain Significance.

NM_002471.4(MYH6):c.5244G>C (p.Gln1748His)

Gene: MYH6 (myosin heavy chain 6; minus strand). Cytogenetic location: 14q11.2.
Variant type: single nucleotide variant.
Coding change: c.5244G>C on transcript NM_002471.4 (MANE Select); coding-DNA position 5244, G replaced by C.
Protein change: p.Gln1748His; replaces glutamine 1748 with histidine.
Molecular consequence: missense variant.
Genome position (GRCh38, 1-based): chr14:23,384,961, C>G on the plus strand (G>C on the coding strand, the complement: MYH6 is on the minus strand). VCF-style: chr14-23384961-C-G. GRCh37 (hg19) VCF-style: chr14-23854170-C-G.
Other names: short protein forms Q1748H.
Identifiers: ClinVar variation 1496230 (VCV001496230.6), dbSNP rs2138582351, ClinGen allele CA388987949.
Genomic context (GRCh38, chr14:23,384,961, plus strand): 5'-TGGGCGGTCACTTACATCCGTGATGGCCTTCTTGGCCTTCTCCTCGGCGTTTCTGCACTC[C>G]TGCACTGCCTCCTCCACTTCCGACTGGAGCTGGGTCAGATCCGACTCCATCTTCTTCTTC-3'
Protein context (NP_002462.2, residues 1738-1758): QLQSEVEEAV[Gln1748His]ECRNAEEKAK